The following is an entry in ClinVar:

NM_015047.3(EMC1):c.1460G>A (p.Arg487His)

Genes: EMC1-AS1 (EMC1 antisense RNA 1; plus strand), EMC1 (ER membrane protein complex subunit 1; minus strand). Cytogenetic location: 1p36.13.
Variant type: single nucleotide variant.
Coding change: c.1460G>A on transcript NM_015047.3 (MANE Select); coding-DNA position 1460, G replaced by A.
Protein change: p.Arg487His; replaces arginine 487 with histidine.
Molecular consequence: missense variant.
Genome position (GRCh38, 1-based): chr1:19,233,108, C>T on the plus strand (G>A on the coding strand, the complement: EMC1 is on the minus strand). VCF-style: chr1-19233108-C-T. GRCh37 (hg19) VCF-style: chr1-19559602-C-T.
Other names: c.1457G>A, p.Arg486His (NM_001271427.2, NM_001271428.2); c.1394G>A, p.Arg465His (NM_001271429.2); c.1469G>A, p.Arg490His (NM_001375820.1); c.1466G>A, p.Arg489His (NM_001375821.1); short protein forms R487H, R489H, R490H, R465H, R486H.
Identifiers: ClinVar variation 1978736 (VCV001978736.4), dbSNP rs1558101967, ClinGen allele CA338763176.

ClinVar aggregate classification (germline): Uncertain significance (1 of 4 stars; one submission).

Allele frequency attached by ClinVar (database versions not stated): gnomAD exomes below 0.00001.
gnomAD v4.1: 1 of 1,614,092 alleles (0.000062%); highest among the groups gnomAD compares: Non-Finnish European, 0.000085%; no homozygotes.

Submission:

Labcorp Genetics (formerly Invitae), Labcorp
Classification: Uncertain significance. Last evaluated: 2022-09-12. Review status: criteria provided, single submitter. Criteria: Invitae Variant Classification Sherloc (09022015). Collection method: clinical testing. Allele origin: germline.
Comment: In summary, the available evidence is currently insufficient to determine the role of this variant in disease. Therefore, it has been classified as a Variant of Uncertain Significance. Advanced modeling of protein sequence and biophysical properties (such as structural, functional, and spatial information, amino acid conservation, physicochemical variation, residue mobility, and thermodynamic stability) performed at Invitae indicates that this missense variant is expected to disrupt EMC1 protein function. This variant has not been reported in the literature in individuals affected with EMC1-related conditions. This variant is present in population databases (no rsID available, gnomAD 0.0009%). This sequence change replaces arginine, which is basic and polar, with histidine, which is basic and polar, at codon 487 of the EMC1 protein (p.Arg487His).